The following is an entry in ClinVar:

NM_005094.4(SLC27A4):c.556+2T>G

Gene: SLC27A4 (solute carrier family 27 member 4; plus strand). Cytogenetic location: 9q34.11.
Variant type: single nucleotide variant.
Coding change: c.556+2T>G on transcript NM_005094.4 (MANE Select); the canonical splice donor site of the intron after coding-DNA position 556, T replaced by G.
Molecular consequence: splice donor variant.
Genome position (GRCh38, 1-based): chr9:128,345,551, T>G. VCF-style: chr9-128345551-T-G. GRCh37 (hg19) VCF-style: chr9-131107830-T-G.
Identifiers: ClinVar variation 225061 (VCV000225061.11), dbSNP rs368207076, ClinGen allele CA358222.

ClinVar aggregate classification (germline): Pathogenic/Likely pathogenic. Review status: criteria provided, multiple submitters, no conflicts (2 of 4 stars). 2 submissions from 2 submitters: Pathogenic (1); Likely pathogenic (1). Last evaluated 2023-10-27.

Conditions:
Inborn genetic diseases. Identifiers: MedGen C0950123, MeSH D030342.

Allele frequency attached by ClinVar (database versions not stated): gnomAD 0.00001; TOPMed 0.00002; ESP Exome Variant Server 0.00008; ExAC 0.00002; gnomAD exomes 0.00001.
gnomAD v4.1: 14 of 1,601,716 alleles (0.00087%); highest among the groups gnomAD compares: African/African-American, 0.0027%; no homozygotes.

Submissions (2):

Labcorp Genetics (formerly Invitae), Labcorp
Classification: Likely pathogenic. Last evaluated: 2023-10-27. Review status: criteria provided, single submitter. Criteria: Invitae Variant Classification Sherloc (09022015). Collection method: clinical testing. Allele origin: germline.
Comment: This sequence change affects a donor splice site in intron 3 of the SLC27A4 gene. It is expected to disrupt RNA splicing. Variants that disrupt the donor or acceptor splice site typically lead to a loss of protein function (PMID: 16199547), and loss-of-function variants in SLC27A4 are known to be pathogenic (PMID: 19631310, 21450060). This variant is present in population databases (rs368207076, gnomAD 0.002%). This variant has not been reported in the literature in individuals affected with SLC27A4-related conditions. ClinVar contains an entry for this variant (Variation ID: 225061). Algorithms developed to predict the effect of sequence changes on RNA splicing suggest that this variant may disrupt the consensus splice site. In summary, the currently available evidence indicates that the variant is pathogenic, but additional data are needed to prove that conclusively. Therefore, this variant has been classified as Likely Pathogenic.

Ambry Genetics
Classification: Pathogenic for Inborn genetic diseases. Last evaluated: 2014-02-06. Review status: criteria provided, single submitter. Criteria: Ambry Autosomal Dominant and X-Linked criteria (10/2015). Collection method: clinical testing. Allele origin: germline. Observed: 1 variant allele.

Literature cited by the submitters: PubMed 16199547 (cited by Labcorp Genetics (formerly Invitae), Labcorp); PubMed 19631310 (cited by Labcorp Genetics (formerly Invitae), Labcorp); PubMed 21450060 (cited by Labcorp Genetics (formerly Invitae), Labcorp).